The following is an entry in ClinVar:

NM_001384125.1(BLTP1):c.822-3T>C

Gene: BLTP1 (bridge-like lipid transfer protein family member 1; plus strand). Cytogenetic location: 4q27.
Variant type: single nucleotide variant.
Coding change: c.822-3T>C on transcript NM_001384125.1 (MANE Select); 3 bases into the intron before coding-DNA position 822, T replaced by C.
Molecular consequence: intron variant.
Genome position (GRCh38, 1-based): chr4:122,189,997, T>C. VCF-style: chr4-122189997-T-C. GRCh37 (hg19) VCF-style: chr4-123111152-T-C.
Other names: c.822-3T>C (NM_015312.4).
Identifiers: ClinVar variation 1033765 (VCV001033765.1), dbSNP rs1216973357, ClinGen allele CA554189127.

ClinVar aggregate classification (germline): Uncertain significance (1 of 4 stars; one submission).

Conditions:
Alkuraya-Kucinskas syndrome. Identifiers: Orphanet 610569, MedGen C4693347, MONDO:0060631, OMIM 617822.

gnomAD v4.1: 4 of 1,596,006 alleles (0.00025%); highest among the groups gnomAD compares: Admixed American, 0.0017%; no homozygotes.

Submission:

Baylor Genetics
Classification: Uncertain significance for Alkuraya-Kucinskas syndrome. Last evaluated: 2018-09-07. Review status: criteria provided, single submitter. Criteria: ACMG Guidelines, 2015. Collection method: clinical testing. Allele origin: paternal. Affected: yes.
Comment: This variant was determined to be of uncertain significance according to ACMG Guidelines, 2015 [PMID:25741868].